The following is an entry in ClinVar:

ClinVar aggregate classification (germline): Uncertain significance (1 of 4 stars; one submission).

Conditions:
Malignant hyperthermia, susceptibility to, 1 (MHS1). Also called: RYR1-Related Malignant Hyperthermia Susceptibility; Anesthesia related hyperthermia; Malignant hyperpyrexia; Fulminating hyperpyrexia; Pharmacogenic myopathy; Malignant hyperthermia suceptibility 1. Identifiers: Orphanet 423, MedGen C2930980, MONDO:0007783, OMIM 145600.

gnomAD v4.1: 10 of 1,562,738 alleles (0.00064%); highest among the groups gnomAD compares: Non-Finnish European, 0.00087%; no homozygotes.

Submission:

All of Us Research Program, National Institutes of Health
Classification: Uncertain significance for Malignant hyperthermia, susceptibility to, 1. Last evaluated: 2023-12-01. Review status: criteria provided, single submitter. Criteria: ACMG Guidelines, 2015. Collection method: clinical testing. Allele origin: germline. Inheritance: Autosomal dominant inheritance. Observed: 3 variant alleles, 3 heterozygotes.
Comment: This study involves interpretation of variants in research participants for the purpose of population health screening. Participant phenotype was not available at the time of variant classification. Additional details can be found in publication PMID: 35346344, PMCID: PMC8962531

NM_000540.3(RYR1):c.9634G>C (p.Glu3212Gln)

Gene: RYR1 (ryanodine receptor 1; plus strand). Cytogenetic location: 19q13.2.
Variant type: single nucleotide variant.
Coding change: c.9634G>C on transcript NM_000540.3 (MANE Select); coding-DNA position 9634, G replaced by C.
Protein change: p.Glu3212Gln; replaces glutamic acid 3212 with glutamine.
Molecular consequence: missense variant.
Genome position (GRCh38, 1-based): chr19:38,516,166, G>C. VCF-style: chr19-38516166-G-C. GRCh37 (hg19) VCF-style: chr19-39006806-G-C.
Other names: c.9634G>C, p.Glu3212Gln (NM_001042723.2); short protein forms E3212Q.
Identifiers: ClinVar variation 3070475 (VCV003070475.1), dbSNP rs185371036, ClinGen allele CA405690450.
Genomic context (GRCh38, chr19:38,516,166, plus strand): 5'-GAGTGCCTGGCCCGTCTGGCAGCAGCCATGCCGGTGGCGTTCCTGGAGCCGCAGCTGAAC[G>C]AGTACAACGCCTGCTCCGTGTACACCACCAAGTCTCCGCGGGAGCGGGCCAGTAAGCTGT-3'
Protein context (NP_000531.2, residues 3202-3222): PVAFLEPQLN[Glu3212Gln]YNACSVYTTK